The following is an entry in ClinVar:

ClinVar aggregate classification (germline): Uncertain significance. Review status: criteria provided, multiple submitters, no conflicts (2 of 4 stars). 2 submissions from 2 submitters: Uncertain significance (2). Last evaluated 2022-07-01.

Conditions:
Kabuki syndrome. Also called: NIIKAWA-KUROKI SYNDROME; Kabuki make-up syndrome. Identifiers: Orphanet 2322, MedGen C0796004, MONDO:0016512.

Allele frequency attached by ClinVar (database versions not stated): gnomAD 0.00001; TOPMed 0.00001.
gnomAD v4.1: 1 of 1,553,940 alleles (0.000064%); highest among the groups gnomAD compares: Non-Finnish European, 0.000087%; no homozygotes.

Submissions (2):

CeGaT Center for Human Genetics Tuebingen
Classification: Uncertain significance. Last evaluated: 2022-07-01. Review status: criteria provided, single submitter. Criteria: CeGaT Center For Human Genetics Tuebingen Variant Classification Criteria Version 2. Collection method: clinical testing. Allele origin: germline. Affected: yes. Observed: 1 variant allele.
Comment: KMT2D: PP2

Labcorp Genetics (formerly Invitae), Labcorp
Classification: Uncertain significance for Kabuki syndrome. Last evaluated: 2022-02-21. Review status: criteria provided, single submitter. Criteria: Invitae Variant Classification Sherloc (09022015). Collection method: clinical testing. Allele origin: germline.
Comment: This sequence change replaces glutamic acid, which is acidic and polar, with lysine, which is basic and polar, at codon 4935 of the KMT2D protein (p.Glu4935Lys). This variant is not present in population databases (gnomAD no frequency). This variant has not been reported in the literature in individuals affected with KMT2D-related conditions. Advanced modeling of protein sequence and biophysical properties (such as structural, functional, and spatial information, amino acid conservation, physicochemical variation, residue mobility, and thermodynamic stability) performed at Invitae indicates that this missense variant is not expected to disrupt KMT2D protein function. In summary, the available evidence is currently insufficient to determine the role of this variant in disease. Therefore, it has been classified as a Variant of Uncertain Significance.

NM_003482.4(KMT2D):c.14803G>A (p.Glu4935Lys)

Gene: KMT2D (lysine methyltransferase 2D; minus strand). Cytogenetic location: 12q13.12.
Variant type: single nucleotide variant.
Coding change: c.14803G>A on transcript NM_003482.4 (MANE Select); coding-DNA position 14803, G replaced by A.
Protein change: p.Glu4935Lys; replaces glutamic acid 4935 with lysine.
Molecular consequence: missense variant.
Genome position (GRCh38, 1-based): chr12:49,027,163, C>T on the plus strand (G>A on the coding strand, the complement: KMT2D is on the minus strand). VCF-style: chr12-49027163-C-T. GRCh37 (hg19) VCF-style: chr12-49420946-C-T.
Other names: short protein forms E4935K.
Identifiers: ClinVar variation 1694666 (VCV001694666.36), dbSNP rs1404087769, ClinGen allele CA384691681.
Genomic context (GRCh38, chr12:49,027,163, plus strand): 5'-ATGAGGCCAGTGGCAGAGGTGAGGGGACGGGTGGCTCAGCCAAGGGTTCGGTGGGAAGTT[C>T]AACCAAGGGCTCAGTAGGGGGACTGGCAGGAGAAGGTGCCAAGGGGGAAGGGGGCGGGGA-3'
Protein context (NP_003473.3, residues 4925-4945): PASPPTEPLV[Glu4935Lys]LPTEPLAEPP